The following is an entry in ClinVar:

ClinVar aggregate classification (germline): Likely benign (0 of 4 stars; one submission).

Conditions:
THBD-related disorder. Also called: THBD-related condition.

Allele frequency attached by ClinVar (database versions not stated): gnomAD 0.00007; 1000 Genomes Project 0.00040; gnomAD exomes 0.00013; TOPMed 0.00013; 1000 Genomes Project 30x 0.00031.

Submission:

PreventionGenetics, part of Exact Sciences
Classification: Likely benign for THBD-related condition. Last evaluated: 2022-05-10. Review status: no assertion criteria provided. Collection method: clinical testing. Allele origin: germline.
Comment: This variant is classified as likely benign based on ACMG/AMP sequence variant interpretation guidelines (Richards et al. 2015 PMID: 25741868, with internal and published modifications).

NC_000020.11:g.23049803T>C

Gene: THBD (thrombomodulin; minus strand). Cytogenetic location: 20p11.21.
Variant type: single nucleotide variant.
Genome position: GRCh38 VCF-style: chr20-23049803-T-C. GRCh37 (hg19) VCF-style: chr20-23030440-T-C.
Identifiers: ClinVar variation 3036657 (VCV003036657.2), dbSNP rs534402502, ClinGen allele CA313553267.